The following is an entry in ClinVar:

NM_005570.4(LMAN1):c.*860T>G

Gene: LMAN1 (lectin, mannose binding 1; minus strand). Cytogenetic location: 18q21.32.
Variant type: single nucleotide variant.
Coding change: c.*860T>G on transcript NM_005570.4 (MANE Select); 860 bases downstream of the stop codon, T replaced by G.
Molecular consequence: 3 prime UTR variant.
Genome position (GRCh38, 1-based): chr18:59,330,233, A>C on the plus strand (T>G on the coding strand, the complement: LMAN1 is on the minus strand). VCF-style: chr18-59330233-A-C. GRCh37 (hg19) VCF-style: chr18-56997465-A-C.
Identifiers: ClinVar variation 891478 (VCV000891478.4), dbSNP rs41331148, ClinGen allele CA300973734.

ClinVar aggregate classification (germline): Likely benign (1 of 4 stars; one submission).

Conditions:
Factor V and factor VIII, combined deficiency of, type 1. Also called: FAMILIAL MULTIPLE COAGULATION FACTOR DEFICIENCY I; MULTIPLE COAGULATION FACTOR DEFICIENCY I; FMFD I; Combined factor V and VIII deficiency. Identifiers: Orphanet 35909, MedGen C4551981, MONDO:0009206, OMIM 227300.

Allele frequency attached by ClinVar (database versions not stated): 1000 Genomes Project 30x 0.00656; 1000 Genomes Project 0.00679; TOPMed 0.00895.

Submission:

Illumina Laboratory Services, Illumina
Classification: Likely benign for Factor V and factor VIII, combined deficiency of, type 1. Last evaluated: 2018-01-12. Review status: criteria provided, single submitter. Criteria: ICSL Variant Classification Criteria 13 December 2019. Collection method: clinical testing. Allele origin: germline.
Comment: This variant was observed in the ICSL laboratory as part of a predisposition screen in an ostensibly healthy population. It had not been previously curated by ICSL or reported in the Human Gene Mutation Database (HGMD: prior to June 1st, 2018), and was therefore a candidate for classification through an automated scoring system. Utilizing variant allele frequency, disease prevalence and penetrance estimates, and inheritance mode, an automated score was calculated to assess if this variant is too frequent to cause the disease. Based on the score and internal cut-off values, a variant classified as likely benign is not then subjected to further curation. The score for this variant resulted in a classification of likely benign for this disease.